The following is an entry in ClinVar:

ClinVar aggregate classification (germline): Likely benign (1 of 4 stars; one submission).

Allele frequency attached by ClinVar (database versions not stated): gnomAD exomes below 0.00001 and 0.00001; TOPMed 0.00001; gnomAD 0.00003.
gnomAD v4.1: 19 of 1,610,586 alleles (0.0012%); highest among the groups gnomAD compares: Middle Eastern, 0.017%; no homozygotes.

Submission:

GeneDx
Classification: Likely benign. Last evaluated: 2017-09-07. Review status: criteria provided, single submitter. Criteria: GeneDx Variant Classification (06012015). Collection method: clinical testing. Allele origin: germline. Affected: yes.
Comment: This variant is considered likely benign or benign based on one or more of the following criteria: it is a conservative change, it occurs at a poorly conserved position in the protein, it is predicted to be benign by multiple in silico algorithms, and/or has population frequency not consistent with disease.

NM_001267550.2(TTN):c.45631G>A (p.Val15211Ile)

Gene: TTN (titin; minus strand). Cytogenetic location: 2q31.2.
Variant type: single nucleotide variant.
Coding change: c.45631G>A on transcript NM_001267550.2 (MANE Select); coding-DNA position 45631, G replaced by A.
Protein change: p.Val15211Ile; replaces valine 15211 with isoleucine.
Molecular consequence: missense variant.
Genome position (GRCh38, 1-based): chr2:178,620,979, C>T on the plus strand (G>A on the coding strand, the complement: TTN is on the minus strand). VCF-style: chr2-178620979-C-T. GRCh37 (hg19) VCF-style: chr2-179485706-C-T.
Other names: c.40708G>A, p.Val13570Ile (NM_001256850.1); c.18436G>A, p.Val6146Ile (NM_003319.4); c.37927G>A, p.Val12643Ile (NM_133378.4); c.18811G>A, p.Val6271Ile (NM_133432.3); c.19012G>A, p.Val6338Ile (NM_133437.4); short protein forms V13570I, V15211I, V12643I, V6338I, V6146I, V6271I.
Identifiers: ClinVar variation 516968 (VCV000516968.1), dbSNP rs1387120198, ClinGen allele CA349633002.